The following is an entry in ClinVar:

NM_002292.4(LAMB2):c.4001G>A (p.Arg1334Gln)

Gene: LAMB2 (laminin subunit beta 2; minus strand). Cytogenetic location: 3p21.31.
Variant type: single nucleotide variant.
Coding change: c.4001G>A on transcript NM_002292.4 (MANE Select); coding-DNA position 4001, G replaced by A.
Protein change: p.Arg1334Gln; replaces arginine 1334 with glutamine.
Molecular consequence: missense variant.
Genome position (GRCh38, 1-based): chr3:49,123,355, C>T on the plus strand (G>A on the coding strand, the complement: LAMB2 is on the minus strand). VCF-style: chr3-49123355-C-T. GRCh37 (hg19) VCF-style: chr3-49160788-C-T.
Other names: c.4001G>A (NM_002292.3); short protein forms R1334Q.
Identifiers: ClinVar variation 1467595 (VCV001467595.8), dbSNP rs144783830, ClinGen allele CA2393891.

ClinVar aggregate classification (germline): Uncertain significance. Review status: criteria provided, multiple submitters, no conflicts (2 of 4 stars). 3 submissions from 3 submitters: Uncertain significance (3). Last evaluated 2025-11-26.

Conditions:
LAMB2-related infantile-onset nephrotic syndrome. Also called: NEPHROTIC SYNDROME, TYPE 5, WITHOUT OCULAR ABNORMALITIES; NEPHROTIC SYNDROME, TYPE 5, WITH OCULAR ABNORMALITIES; Nephrotic Syndrome, type 5. Identifiers: Orphanet 306507, MedGen C3280113, MONDO:0013621, OMIM 614199.
Pierson syndrome. Also called: MICROCORIA-CONGENITAL NEPHROTIC SYNDROME. Identifiers: Orphanet 2670, MedGen C1836876, MONDO:0012184, OMIM 609049.
Inborn genetic diseases. Identifiers: MedGen C0950123, MeSH D030342.

Allele frequency attached by ClinVar (database versions not stated): ExAC 0.00001; TOPMed 0.00001; 1000 Genomes Project 30x 0.00016; 1000 Genomes Project 0.00020.
gnomAD v4.1: 43 of 1,613,950 alleles (0.0027%); highest among the groups gnomAD compares: East Asian, 0.082%; no homozygotes.

Submissions (3):

Ambry Genetics
Classification: Uncertain significance for Inborn genetic diseases. Last evaluated: 2025-11-26. Review status: criteria provided, single submitter. Criteria: Ambry Variant Classification Scheme 2023. Collection method: clinical testing. Allele origin: germline.

Labcorp Genetics (formerly Invitae), Labcorp
Classification: Uncertain significance for LAMB2-related infantile-onset nephrotic syndrome; Pierson syndrome. Last evaluated: 2024-05-15. Review status: criteria provided, single submitter. Criteria: Invitae Variant Classification Sherloc (09022015). Collection method: clinical testing. Allele origin: germline.
Comment: This sequence change replaces arginine, which is basic and polar, with glutamine, which is neutral and polar, at codon 1334 of the LAMB2 protein (p.Arg1334Gln). This variant is present in population databases (rs144783830, gnomAD no frequency). This variant has not been reported in the literature in individuals affected with LAMB2-related conditions. ClinVar contains an entry for this variant (Variation ID: 1467595). An algorithm developed to predict the effect of missense changes on protein structure and function (PolyPhen-2) suggests that this variant is likely to be tolerated. In summary, the available evidence is currently insufficient to determine the role of this variant in disease. Therefore, it has been classified as a Variant of Uncertain Significance.

Fulgent Genetics
Classification: Uncertain significance for Pierson syndrome; LAMB2-related infantile-onset nephrotic syndrome. Last evaluated: 2024-04-08. Review status: criteria provided, single submitter. Criteria: ACMG Guidelines, 2015. Collection method: clinical testing. Allele origin: germline.